The following is an entry in ClinVar:

ClinVar aggregate classification (germline): Conflicting classifications of pathogenicity. Review status: criteria provided, conflicting classifications (1 of 4 stars). 5 submissions from 5 submitters: Uncertain significance (3); Likely benign (2). Last evaluated 2025-07-16.

Conditions:
Inborn genetic diseases. Identifiers: MedGen C0950123, MeSH D030342.

Allele frequency attached by ClinVar (database versions not stated): gnomAD exomes 0.00005 and 0.00024; ExAC 0.00007; TOPMed 0.00007; ESP Exome Variant Server 0.00008; gnomAD 0.00009 and 0.00011.
gnomAD v4.1: 352 of 1,613,970 alleles (0.022%); highest among the groups gnomAD compares: Non-Finnish European, 0.03%; no homozygotes.

Submissions (5):

GeneDx
Classification: Uncertain significance. Last evaluated: 2025-07-16. Review status: criteria provided, single submitter. Criteria: GeneDx Variant Classification Process June 2021. Collection method: clinical testing. Allele origin: germline. Affected: yes.
Comment: Not observed at significant frequency in large population cohorts (gnomAD); In silico analysis suggests that this missense variant does not alter protein structure/function; Has not been previously published as pathogenic or benign to our knowledge

Ambry Genetics
Classification: Uncertain significance for Inborn genetic diseases. Last evaluated: 2025-01-01. Review status: criteria provided, single submitter. Criteria: Ambry Variant Classification Scheme 2023. Collection method: clinical testing. Allele origin: germline.

Blueprint Genetics
Classification: Likely benign. Last evaluated: 2024-09-20. Review status: criteria provided, single submitter. Criteria: ACMG Guidelines, 2015. Collection method: clinical testing. Allele origin: germline.

Labcorp Genetics (formerly Invitae), Labcorp
Classification: Uncertain significance. Last evaluated: 2022-07-05. Review status: criteria provided, single submitter. Criteria: Invitae Variant Classification Sherloc (09022015). Collection method: clinical testing. Allele origin: germline.
Comment: This sequence change replaces methionine, which is neutral and non-polar, with threonine, which is neutral and polar, at codon 4237 of the FAT4 protein (p.Met4237Thr). This variant is present in population databases (rs137954725, gnomAD 0.009%). This variant has not been reported in the literature in individuals affected with FAT4-related conditions. ClinVar contains an entry for this variant (Variation ID: 1197298). Advanced modeling of protein sequence and biophysical properties (such as structural, functional, and spatial information, amino acid conservation, physicochemical variation, residue mobility, and thermodynamic stability) performed at Invitae indicates that this missense variant is not expected to disrupt FAT4 protein function. In summary, the available evidence is currently insufficient to determine the role of this variant in disease. Therefore, it has been classified as a Variant of Uncertain Significance.

CeGaT Center for Human Genetics Tuebingen
Classification: Likely benign. Last evaluated: 2021-09-01. Review status: criteria provided, single submitter. Criteria: CeGaT Center For Human Genetics Tuebingen Variant Classification Criteria Version 2. Collection method: clinical testing. Allele origin: germline. Affected: yes. Observed: 1 variant allele.

NM_001291303.3(FAT4):c.12716T>C (p.Met4239Thr)

Gene: FAT4 (FAT atypical cadherin 4; plus strand). Cytogenetic location: 4q28.1.
Variant type: single nucleotide variant.
Coding change: c.12716T>C on transcript NM_001291303.3 (MANE Select); coding-DNA position 12716, T replaced by C.
Protein change: p.Met4239Thr; replaces methionine 4239 with threonine.
Molecular consequence: missense variant.
Genome position (GRCh38, 1-based): chr4:125,481,632, T>C. VCF-style: chr4-125481632-T-C. GRCh37 (hg19) VCF-style: chr4-126402787-T-C.
Other names: c.12716T>C, p.Met4239Thr (NM_001291285.3); c.12710T>C, p.Met4237Thr (NM_024582.6); short protein forms M4237T, M4239T.
Identifiers: ClinVar variation 1197298 (VCV001197298.44), dbSNP rs137954725, ClinGen allele CA3074171.